The following is an entry in ClinVar:

ClinVar aggregate classification (germline): Uncertain significance (1 of 4 stars; one submission).

gnomAD v4.1: 14 of 1,592,552 alleles (0.00088%); highest among the groups gnomAD compares: East Asian, 0.014%; no homozygotes.

Submission:

Labcorp Genetics (formerly Invitae), Labcorp
Classification: Uncertain significance. Last evaluated: 2025-02-19. Review status: criteria provided, single submitter. Criteria: Invitae Variant Classification Sherloc (09022015). Collection method: clinical testing. Allele origin: germline.
Comment: This sequence change replaces aspartic acid, which is acidic and polar, with asparagine, which is neutral and polar, at codon 639 of the BPTF protein (p.Asp639Asn). This variant is present in population databases (rs142682518, gnomAD 0.01%). This variant has not been reported in the literature in individuals affected with BPTF-related conditions. An algorithm developed to predict the effect of missense changes on protein structure and function (PolyPhen-2) suggests that this variant is likely to be tolerated. In summary, the available evidence is currently insufficient to determine the role of this variant in disease. Therefore, it has been classified as a Variant of Uncertain Significance.

NM_182641.4(BPTF):c.1864+586G>A

Gene: BPTF (bromodomain PHD finger transcription factor; plus strand). Cytogenetic location: 17q24.2.
Variant type: single nucleotide variant.
Coding change: c.1864+586G>A on transcript NM_182641.4 (MANE Select); 586 bases into the intron after coding-DNA position 1864, G replaced by A.
Molecular consequence: intron variant. On other transcripts: missense variant (6).
Genome position (GRCh38, 1-based): chr17:67,875,606, G>A. VCF-style: chr17-67875606-G-A. GRCh37 (hg19) VCF-style: chr17-65871722-G-A.
Other names: c.1915G>A, p.Asp639Asn (NM_001439139.1, NM_001439140.1, NM_001439141.1 and 3 more transcripts); c.1864+586G>A (NM_001439143.1); short protein forms D639N.
Identifiers: ClinVar variation 4803675 (VCV004803675.1).
Genomic context (GRCh38, chr17:67,875,606, plus strand): 5'-TTTGCTGTAGAGCCAACAGAAGTTGGGGATAAAGGTAACTCTGTGTCAGCAAATCTTGGC[G>A]ACAACACAACAAATGCAACTTCAGAAGAGACTAGTCCCTCTGAAGGGAGGAGCCCTGTGG-3'